The following is an entry in ClinVar:

NM_003797.5(EED):c.1062G>A (p.Gly354=)

Gene: EED (embryonic ectoderm development; plus strand). Cytogenetic location: 11q14.2.
Variant type: single nucleotide variant.
Coding change: c.1062G>A on transcript NM_003797.5 (MANE Select); coding-DNA position 1062, G replaced by A.
Protein change: p.Gly354=; no amino-acid change (glycine 354 retained).
Molecular consequence: synonymous variant.
Genome position (GRCh38, 1-based): chr11:86,277,075, G>A. VCF-style: chr11-86277075-G-A. GRCh37 (hg19) VCF-style: chr11-85988117-G-A.
Other names: c.1137G>A, p.Gly379= (NM_001308007.2); c.822G>A, p.Gly274= (NM_001330334.2).
Identifiers: ClinVar variation 478372 (VCV000478372.14), dbSNP rs776126866, ClinGen allele CA6216560.
Genomic context (GRCh38, chr11:86,277,075, plus strand): 5'-CAAGATGGAAGATGATATAGATAAAATTAAACCCAGTGAATCTAATGTGACTATTCTTGG[G>A]CGATTTGATTACAGCCAGTGTGACATTTGGTACATGAGGTTTTCTATGGATTTCTGGCAA-3'
Protein context (NP_003788.2, residues 344-364): KPSESNVTIL[Gly354=]RFDYSQCDIW

ClinVar aggregate classification (germline): Benign/Likely benign. Review status: criteria provided, multiple submitters, no conflicts (2 of 4 stars). 3 submissions from 3 submitters: Benign (1); Likely benign (1). 1 of the submissions does not count toward it. Last evaluated 2026-08-01.

Conditions:
EED-related disorder. Also called: EED-related condition.
Cohen-Gibson syndrome (COGIS). Also called: EED-Related Overgrowth. Identifiers: Orphanet 659396, MedGen C4479654, MONDO:0060510, OMIM 617561.

Allele frequency attached by ClinVar (database versions not stated): gnomAD exomes 0.00013 and 0.00068; gnomAD 0.00015; TOPMed 0.00028; ExAC 0.00049.

Submissions (3):

CeGaT Center for Human Genetics Tuebingen
Classification: Likely benign. Last evaluated: 2026-08-01. Review status: criteria provided, single submitter. Criteria: CeGaT Center For Human Genetics Tuebingen Variant Classification Criteria Version 2. Collection method: clinical testing. Allele origin: germline. Affected: yes. Observed: 1 variant allele.
Comment: EED: BP4, BP7

Labcorp Genetics (formerly Invitae), Labcorp
Classification: Benign for Cohen-Gibson syndrome. Last evaluated: 2024-12-10. Review status: criteria provided, single submitter. Criteria: Invitae Variant Classification Sherloc (09022015). Collection method: clinical testing. Allele origin: germline.

PreventionGenetics, part of Exact Sciences
Classification: Likely benign for EED-related condition. Last evaluated: 2020-01-13. Review status: no assertion criteria provided. Collection method: clinical testing. Allele origin: germline. Not counted in ClinVar's aggregate classification.
Comment: This variant is classified as likely benign based on ACMG/AMP sequence variant interpretation guidelines (Richards et al. 2015 PMID: 25741868, with internal and published modifications).